The following is an entry in ClinVar:

NM_001005242.3(PKP2):c.1714T>C (p.Tyr572His)

Gene: PKP2 (plakophilin 2; minus strand). Cytogenetic location: 12p11.21.
Variant type: single nucleotide variant.
Coding change: c.1714T>C on transcript NM_001005242.3 (MANE Select); coding-DNA position 1714, T replaced by C.
Protein change: p.Tyr572His; replaces tyrosine 572 with histidine.
Molecular consequence: missense variant.
Genome position (GRCh38, 1-based): chr12:32,822,592, A>G on the plus strand (T>C on the coding strand, the complement: PKP2 is on the minus strand). VCF-style: chr12-32822592-A-G. GRCh37 (hg19) VCF-style: chr12-32975526-A-G.
Other names: c.1714T>C, p.Tyr572His (NM_001407155.1, NM_001407161.1); c.1846T>C, p.Tyr616His (NM_001407157.1, NM_004572.4); c.1387T>C, p.Tyr463His (NM_001407158.1, NM_001407159.1, NM_001407160.1 and 1 more transcripts); short protein forms Y463H, Y572H, Y616H.
Identifiers: ClinVar variation 1718741 (VCV001718741.6), dbSNP rs2541231961, ClinGen allele CA384363418.

ClinVar aggregate classification (germline): Uncertain significance. Review status: criteria provided, multiple submitters, no conflicts (2 of 4 stars). 2 submissions from 2 submitters: Uncertain significance (2). Last evaluated 2023-06-27.

Conditions:
Arrhythmogenic right ventricular cardiomyopathy (ARVD). Also called: Cardiomyopathy, ARVC; Arrhythmogenic right ventricular dysplasia; Arrhythmogenic cardiomyopathy; Arrhythmogenic Right Ventricular Cardiomyopathy (ARVC). Identifiers: Orphanet 247, MedGen C0349788, MeSH D019571, MONDO:0016587. Disease mechanism: loss of function. Inheritance: Various modes of inheritance.
Arrhythmogenic right ventricular dysplasia 9 (ARVD9). Also called: Arrhythmogenic Right Ventricular Dysplasia/Cardiomyopathy 9; ARRHYTHMOGENIC RIGHT VENTRICULAR DYSPLASIA, FAMILIAL, 9. Identifiers: MedGen C1836906, MONDO:0012180, OMIM 609040.

Allele frequency attached by ClinVar (database versions not stated): gnomAD exomes below 0.00001.
gnomAD v4.1: 2 of 1,614,104 alleles (0.00012%); highest among the groups gnomAD compares: Non-Finnish European, 0.00017%; no homozygotes.

Submissions (2):

All of Us Research Program, National Institutes of Health
Classification: Uncertain significance for Arrhythmogenic right ventricular cardiomyopathy. Last evaluated: 2023-06-27. Review status: criteria provided, single submitter. Criteria: ACMG Guidelines, 2015. Collection method: clinical testing. Allele origin: germline. Inheritance: Autosomal dominant inheritance. Observed: 1 variant allele, 1 heterozygote.
Comment: This study involves interpretation of variants in research participants for the purpose of population health screening. Participant phenotype was not available at the time of variant classification. Additional details can be found in publication PMID: 35346344, PMCID: PMC8962531

Labcorp Genetics (formerly Invitae), Labcorp
Classification: Uncertain significance for Arrhythmogenic right ventricular dysplasia 9. Last evaluated: 2022-09-23. Review status: criteria provided, single submitter. Criteria: Invitae Variant Classification Sherloc (09022015). Collection method: clinical testing. Allele origin: germline.
Comment: In summary, the available evidence is currently insufficient to determine the role of this variant in disease. Therefore, it has been classified as a Variant of Uncertain Significance. Algorithms developed to predict the effect of missense changes on protein structure and function (SIFT, PolyPhen-2, Align-GVGD) all suggest that this variant is likely to be disruptive. This variant has not been reported in the literature in individuals affected with PKP2-related conditions. This variant is not present in population databases (gnomAD no frequency). This sequence change replaces tyrosine, which is neutral and polar, with histidine, which is basic and polar, at codon 616 of the PKP2 protein (p.Tyr616His).